The following is an entry in ClinVar:

NM_014704.4(CEP104):c.750T>G (p.Leu250=)

Gene: CEP104 (centrosomal protein 104; minus strand). Cytogenetic location: 1p36.32.
Variant type: single nucleotide variant.
Coding change: c.750T>G on transcript NM_014704.4 (MANE Select); coding-DNA position 750, T replaced by G.
Protein change: p.Leu250=; no amino-acid change (leucine 250 retained).
Molecular consequence: synonymous variant.
Genome position (GRCh38, 1-based): chr1:3,839,105, A>C on the plus strand (T>G on the coding strand, the complement: CEP104 is on the minus strand). VCF-style: chr1-3839105-A-C. GRCh37 (hg19) VCF-style: chr1-3755669-A-C.
Identifiers: ClinVar variation 4908073 (VCV004908073.2).
Genomic context (GRCh38, chr1:3,839,105, plus strand): 5'-CTTGGCGAGATCGTAGTCTTCCTTCTCCACGGCACAGCGTTTCTCTACCTCATACCTCCC[A>C]AGGCGTTCACCAACCTGAAGCACAAAATATTTGCTTTTTCTTTCAAATTTGGATCAACTC-3'
Protein context (NP_055519.1, residues 240-260): IADLQKVGER[Leu250=]GRYEVEKRCA

ClinVar aggregate classification (germline): Likely benign. Review status: criteria provided, multiple submitters, no conflicts (2 of 4 stars). 2 submissions from 2 submitters: Likely benign (2). Last evaluated 2026-08-01.

gnomAD v4.1: 54 of 1,613,718 alleles (0.0033%); highest among the groups gnomAD compares: South Asian, 0.058%; no homozygotes.

Submissions (2):

CeGaT Center for Human Genetics Tuebingen
Classification: Likely benign. Last evaluated: 2026-08-01. Review status: criteria provided, single submitter. Criteria: CeGaT Center For Human Genetics Tuebingen Variant Classification Criteria Version 2. Collection method: clinical testing. Allele origin: germline. Affected: yes. Observed: 1 variant allele.
Comment: CEP104: BP4, BP7

Blueprint Genetics
Classification: Likely benign. Last evaluated: 2024-09-30. Review status: criteria provided, single submitter. Criteria: ACMG Guidelines, 2015. Collection method: clinical testing. Allele origin: germline.